The following is an entry in ClinVar:

NM_007294.4(BRCA1):c.3358_3368del (p.Val1120fs)

Genes: BRCA1 (BRCA1 DNA repair associated; minus strand), LOC126862571 (BRD4-independent group 4 enhancer GRCh37_chr17:41243136-41244335; plus strand). Cytogenetic location: 17q21.31.
Variant type: Deletion.
Coding change: c.3358_3368del on transcript NM_007294.4 (MANE Select); coding-DNA positions 3358 to 3368, 11 bases deleted (GTTAATACAGA).
Protein change: p.Val1120fs; shifts the reading frame from valine 1120.
Molecular consequence: frameshift variant. On other transcripts: intron variant (137).
Genome position (GRCh38, 1-based): chr17:43,092,163-43,092,173, TCTGTATTAAC deleted on the plus strand (GTTAATACAGA on the coding strand, the reverse complement: BRCA1 is on the minus strand). VCF-style (leftmost placement, unchanged base first): chr17-43092162-ATCTGTATTAAC-A. GRCh37 (hg19) VCF-style: chr17-41244179-ATCTGTATTAAC-A.
Other names: 3477del11-ter1128; c.3358_3368del, p.Val1120fs (NM_001407620.1, NM_001407621.1, NM_001407622.1 and 30 more transcripts); c.3355_3365del, p.Val1119fs (NM_001407627.1, NM_001407628.1, NM_001407629.1 and 22 more transcripts); c.3349_3359del, p.Val1117fs (NM_001407646.1, NM_001407647.1); c.3235_3245del, p.Val1079fs (NM_001407648.1, NM_001407664.1, NM_001407665.1 and 19 more transcripts); c.3232_3242del, p.Val1078fs (NM_001407649.1, NM_001407670.1, NM_001407671.1 and 11 more transcripts); c.3280_3290del, p.Val1094fs (NM_001407653.1, NM_001407654.1, NM_001407655.1 and 4 more transcripts); c.3277_3287del, p.Val1093fs (NM_001407659.1, NM_001407660.1, NM_001407661.1 and 1 more transcripts); and 43 more; short protein forms V1073fs, V1120fs, V1008fs, V1053fs, V1072fs, V1117fs, V1119fs, V824fs.
Identifiers: ClinVar variation 266358 (VCV000266358.4), dbSNP rs886040118, ClinGen allele CA10589762.
Genomic context (GRCh38, chr17:43,092,162, plus strand): 5'-AGATGCATGACTACTTCCCATAGGCTGTTCTAAGTTATCTGAAATCAGATATGGAGAGAA[ATCTGTATTAAC>A]AGTCTGAACTACTTCTTCATATTCTTGCTTTTTTATTTCAGGATGCTTACAATTACTTCC-3'

ClinVar aggregate classification (germline): Pathogenic (3 of 4 stars; one submission).

Conditions:
Breast-ovarian cancer, familial, susceptibility to, 1 (BROVCA1). Also called: BRCA1 Hereditary Breast and Ovarian Cancer; OVARIAN CANCER, SUSCEPTIBILITY TO. Identifiers: Orphanet 145, MedGen C2676676, MONDO:0011450, OMIM 604370. Disease mechanism: loss of function.

Submission:

Evidence-based Network for the Interpretation of Germline Mutant Alleles (ENIGMA)
Classification: Pathogenic for Breast-ovarian cancer, familial, susceptibility to, 1. Last evaluated: 2016-10-18. Review status: reviewed by expert panel. Criteria: ENIGMA BRCA1/2 Classification Criteria (2015). Collection method: curation. Allele origin: germline.
Comment: Variant allele predicted to encode a truncated non-functional protein.